The following is an entry in ClinVar:

ClinVar aggregate classification (germline): Uncertain significance. Review status: criteria provided, multiple submitters, no conflicts (2 of 4 stars). 2 submissions from 2 submitters: Uncertain significance (2). Last evaluated 2024-02-17.

Conditions:
Type 2 diabetes mellitus. Also called: Type II diabetes mellitus. Identifiers: MedGen C0011860, MeSH D003924, MONDO:0005148, OMIM 125853, HP:0005978.
Maturity-onset diabetes of the young type 4 (MODY4). Also called: Maturity-onset diabetes of the young, type IV; MODY, type IV. Identifiers: Orphanet 552, MedGen C1833382, MONDO:0011667, OMIM 606392.
Pancreatic agenesis 1 (PAGEN1). Also called: PANCREATIC HYPOPLASIA, CONGENITAL. Identifiers: Orphanet 2805, MedGen C3891828, MONDO:0024547, OMIM 260370.

Submissions (2):

Fulgent Genetics
Classification: Uncertain significance for Type 2 diabetes mellitus; Pancreatic agenesis 1; Maturity-onset diabetes of the young type 4. Last evaluated: 2024-02-17. Review status: criteria provided, single submitter. Criteria: ACMG Guidelines, 2015. Collection method: clinical testing. Allele origin: germline.

Labcorp Genetics (formerly Invitae), Labcorp
Classification: Uncertain significance. Last evaluated: 2022-05-17. Review status: criteria provided, single submitter. Criteria: Invitae Variant Classification Sherloc (09022015). Collection method: clinical testing. Allele origin: germline.
Comment: This sequence change replaces serine, which is neutral and polar, with asparagine, which is neutral and polar, at codon 31 of the PDX1 protein (p.Ser31Asn). This variant is present in population databases (no rsID available, gnomAD 0.01%). This variant has not been reported in the literature in individuals affected with PDX1-related conditions. Advanced modeling of protein sequence and biophysical properties (such as structural, functional, and spatial information, amino acid conservation, physicochemical variation, residue mobility, and thermodynamic stability) performed at Invitae indicates that this missense variant is not expected to disrupt PDX1 protein function. In summary, the available evidence is currently insufficient to determine the role of this variant in disease. Therefore, it has been classified as a Variant of Uncertain Significance.

NM_000209.4(PDX1):c.92G>A (p.Ser31Asn)

Gene: PDX1 (pancreatic and duodenal homeobox 1; plus strand). Cytogenetic location: 13q12.2.
Variant type: single nucleotide variant.
Coding change: c.92G>A on transcript NM_000209.4 (MANE Select); coding-DNA position 92, G replaced by A.
Protein change: p.Ser31Asn; replaces serine 31 with asparagine.
Molecular consequence: missense variant.
Genome position (GRCh38, 1-based): chr13:27,920,230, G>A. VCF-style: chr13-27920230-G-A. GRCh37 (hg19) VCF-style: chr13-28494367-G-A.
Other names: short protein forms S31N.
Identifiers: ClinVar variation 2171868 (VCV002171868.5), dbSNP rs1449072088, ClinGen allele CA387643833.